The following is an entry in ClinVar:

ClinVar aggregate classification (germline): Uncertain significance (1 of 4 stars; one submission).

Conditions:
Breast-ovarian cancer, familial, susceptibility to, 1 (BROVCA1). Also called: BRCA1 Hereditary Breast and Ovarian Cancer; OVARIAN CANCER, SUSCEPTIBILITY TO. Identifiers: Orphanet 145, MedGen C2676676, MONDO:0011450, OMIM 604370. Disease mechanism: loss of function.

Submissions (2):

Baylor Genetics
Classification: Uncertain significance for Breast-ovarian cancer, familial, susceptibility to, 1. Last evaluated: 2023-09-21. Review status: criteria provided, single submitter. Criteria: ACMG Guidelines, 2015. Collection method: clinical testing. Allele origin: unknown.

Brotman Baty Institute, University of Washington
No classification provided (evidence only). Condition: Breast-ovarian cancer, familial 1. Review status: no classification provided. Collection method: in vitro. Allele origin: not applicable. Functional consequence: function_uncertain_variant. Not counted in ClinVar's aggregate classification.
ClinVar note: "not provided" was previously submitted as the classification for the variant. However, the classification appeared to be based only on an observation of functional data so it was converted to no classification on 2025-07-30.

NM_007294.4(BRCA1):c.5051C>G (p.Thr1684Ser)

Gene: BRCA1 (BRCA1 DNA repair associated; minus strand). Cytogenetic location: 17q21.31.
Variant type: single nucleotide variant.
Coding change: c.5051C>G on transcript NM_007294.4 (MANE Select); coding-DNA position 5051, C replaced by G.
Protein change: p.Thr1684Ser; replaces threonine 1684 with serine.
Molecular consequence: missense variant. On other transcripts: non-coding transcript variant (1).
Genome position (GRCh38, 1-based): chr17:43,067,631, G>C on the plus strand (C>G on the coding strand, the complement: BRCA1 is on the minus strand). VCF-style: chr17-43067631-G-C. GRCh37 (hg19) VCF-style: chr17-41219648-G-C.
Other names: c.4838C>G, p.Thr1613Ser (NM_001407571.1, NM_001407902.1, NM_001407904.1 and 12 more transcripts); c.5117C>G, p.Thr1706Ser (NM_001407581.1, NM_001407582.1); c.5114C>G, p.Thr1705Ser (NM_001407583.1, NM_001407585.1, NM_001407587.1 and 1 more transcripts); c.5111C>G, p.Thr1704Ser (NM_001407590.1, NM_001407591.1); c.5051C>G, p.Thr1684Ser (NM_001407593.1, NM_001407594.1, NM_001407596.1 and 8 more transcripts); c.5048C>G, p.Thr1683Ser (NM_001407610.1, NM_001407611.1, NM_001407612.1 and 17 more transcripts); c.5045C>G, p.Thr1682Ser (NM_001407630.1, NM_001407631.1, NM_001407632.1 and 14 more transcripts); c.4973C>G, p.Thr1658Ser (NM_001407653.1, NM_001407654.1, NM_001407655.1); and 70 more; short protein forms T1637S, T1684S, T580S, T1705S, T1530S, T1555S, T1572S, T1594S.
Identifiers: ClinVar variation 868965 (VCV000868965.4), dbSNP rs2052164896, ClinGen allele CA10591415.
Genomic context (GRCh38, chr17:43,067,631, plus strand): 5'-GCAGATGCAAGGTATTCTGTAAAGGTTCTTGGTATACCTGTTTTCATAACAACATGAGTA[G>C]TCTCTTCAGTAATTAGATTAGTTAAAGTGATGTGGTGTTTTCTGGCAAACTTGTACACGA-3'
Protein context (NP_009225.1, residues 1674-1694): ITLTNLITEE[Thr1684Ser]THVVMKTDAE